The following is an entry in ClinVar:

NM_138814.4(PNPLA5):c.599C>T (p.Thr200Ile)

Gene: PNPLA5 (patatin like domain 5, triacylglycerol lipase; minus strand). Cytogenetic location: 22q13.31.
Variant type: single nucleotide variant.
Coding change: c.599C>T on transcript NM_138814.4 (MANE Select); coding-DNA position 599, C replaced by T.
Protein change: p.Thr200Ile; replaces threonine 200 with isoleucine.
Molecular consequence: missense variant.
Genome position (GRCh38, 1-based): chr22:43,889,432, G>A on the plus strand (C>T on the coding strand, the complement: PNPLA5 is on the minus strand). VCF-style: chr22-43889432-G-A. GRCh37 (hg19) VCF-style: chr22-44285312-G-A.
Other names: c.257C>T, p.Thr86Ile (NM_001177675.2); c.179C>T, p.Thr60Ile (NM_001371410.1); short protein forms T200I, T60I, T86I.
Identifiers: ClinVar variation 3037896 (VCV003037896.2), dbSNP rs10428037, ClinGen allele CA10277554.

ClinVar aggregate classification (germline): Benign (0 of 4 stars; one submission).

Conditions:
PNPLA5-related disorder. Also called: PNPLA5-related condition.

Allele frequency attached by ClinVar (database versions not stated): 1000 Genomes Project 30x 0.02639; 1000 Genomes Project 0.02676; TOPMed 0.02962; ESP Exome Variant Server 0.03029.
gnomAD v4.1: 31,881 of 1,614,102 alleles (2%); highest among the groups gnomAD compares: African/African-American, 6.1%; 461 homozygotes.

Submission:

PreventionGenetics, part of Exact Sciences
Classification: Benign for PNPLA5-related condition. Last evaluated: 2019-03-14. Review status: no assertion criteria provided. Collection method: clinical testing. Allele origin: germline.
Comment: This variant is classified as benign based on ACMG/AMP sequence variant interpretation guidelines (Richards et al. 2015 PMID: 25741868, with internal and published modifications).